The following is an entry in ClinVar:

NM_001123385.2(BCOR):c.176G>A (p.Ser59Asn)

Gene: BCOR (BCL6 corepressor; minus strand). Cytogenetic location: Xp11.4.
Variant type: single nucleotide variant.
Coding change: c.176G>A on transcript NM_001123385.2 (MANE Select); coding-DNA position 176, G replaced by A.
Protein change: p.Ser59Asn; replaces serine 59 with asparagine.
Molecular consequence: missense variant.
Genome position (GRCh38, 1-based): chrX:40,075,170, C>T on the plus strand (G>A on the coding strand, the complement: BCOR is on the minus strand). VCF-style: chrX-40075170-C-T. GRCh37 (hg19) VCF-style: chrX-39934423-C-T.
Other names: c.176G>A, p.Ser59Asn (NM_001123383.2, NM_001123384.2, NM_017745.6); short protein forms S59N.
Identifiers: ClinVar variation 1409132 (VCV001409132.8), dbSNP rs1197348343, ClinGen allele CA412749286.

ClinVar aggregate classification (germline): Uncertain significance (1 of 4 stars; one submission).

Conditions:
Oculofaciocardiodental syndrome (MCOPS2). Identifiers: Orphanet 2712, MedGen C1846265, MONDO:0010261, OMIM 300166.

gnomAD v4.1: 1 of 1,204,917 alleles (0.000083%); highest among the groups gnomAD compares: Admixed American, 0.0022%; no homozygotes.

Submission:

Labcorp Genetics (formerly Invitae), Labcorp
Classification: Uncertain significance for Oculofaciocardiodental syndrome. Last evaluated: 2021-03-28. Review status: criteria provided, single submitter. Criteria: Invitae Variant Classification Sherloc (09022015). Collection method: clinical testing. Allele origin: germline.
Comment: In summary, the available evidence is currently insufficient to determine the role of this variant in disease. Therefore, it has been classified as a Variant of Uncertain Significance. Algorithms developed to predict the effect of missense changes on protein structure and function are either unavailable or do not agree on the potential impact of this missense change (SIFT: "Deleterious"; PolyPhen-2: "Benign"; Align-GVGD: "Class C0"). This sequence change replaces serine with asparagine at codon 59 of the BCOR protein (p.Ser59Asn). The serine residue is weakly conserved and there is a small physicochemical difference between serine and asparagine. This variant is not present in population databases (ExAC no frequency). This variant has not been reported in the literature in individuals with BCOR-related conditions.